The following is an entry in ClinVar:

NM_001267550.2(TTN):c.47108C>T (p.Thr15703Ile)

Genes: TTN (titin; minus strand), TTN-AS1 (TTN antisense RNA 1; plus strand). Cytogenetic location: 2q31.2.
Variant type: single nucleotide variant.
Coding change: c.47108C>T on transcript NM_001267550.2 (MANE Select); coding-DNA position 47108, C replaced by T.
Protein change: p.Thr15703Ile; replaces threonine 15703 with isoleucine.
Molecular consequence: missense variant.
Genome position (GRCh38, 1-based): chr2:178,618,350, G>A on the plus strand (C>T on the coding strand, the complement: TTN is on the minus strand). VCF-style: chr2-178618350-G-A. GRCh37 (hg19) VCF-style: chr2-179483077-G-A.
Other names: c.42185C>T, p.Thr14062Ile (NM_001256850.1); c.19913C>T, p.Thr6638Ile (NM_003319.4); c.39404C>T, p.Thr13135Ile (NM_133378.4); c.20288C>T, p.Thr6763Ile (NM_133432.3); c.20489C>T, p.Thr6830Ile (NM_133437.4); short protein forms T15703I, T6830I, T14062I, T13135I, T6638I, T6763I.
Identifiers: ClinVar variation 5000628 (VCV005000628.1).

ClinVar aggregate classification (germline): Uncertain significance (1 of 4 stars; one submission).

Conditions:
TTN-related disorder. Also called: TTN-related disorders; TTN-related condition; TTN-related disease.

gnomAD v4.1: 15 of 1,612,436 alleles (0.00093%); highest among the groups gnomAD compares: Middle Eastern, 0.016%; no homozygotes.

Submission:

PreventionGenetics, part of Exact Sciences
Classification: Uncertain significance for TTN-related condition. Last evaluated: 2026-08-10. Review status: criteria provided, single submitter. Criteria: ACMG Guidelines, 2015. Collection method: clinical testing. Allele origin: germline.
Comment: The TTN c.47108C>T variant is predicted to result in the amino acid substitution p.Thr15703Ile. To our knowledge, this variant has not been reported in the literature. This variant is reported in 0.0056% of alleles in individuals of East Asian descent in gnomAD. At this time, the clinical significance of this variant is uncertain due to the absence of conclusive functional and genetic evidence.